The following is an entry in ClinVar:

ClinVar aggregate classification (germline): Uncertain significance (1 of 4 stars; one submission).

Conditions:
L-2-hydroxyglutaric aciduria (L2HGA). Identifiers: Orphanet 79314, MedGen C1855995, MONDO:0009370, OMIM 236792, HP:0040144.

Allele frequency attached by ClinVar (database versions not stated): gnomAD exomes below 0.00001; ExAC 0.00001.
gnomAD v4.1: 1 of 1,614,086 alleles (0.000062%); highest among the groups gnomAD compares: East Asian, 0.0022%; no homozygotes.

Submission:

Labcorp Genetics (formerly Invitae), Labcorp
Classification: Uncertain significance for L-2-hydroxyglutaric aciduria. Last evaluated: 2025-06-16. Review status: criteria provided, single submitter. Criteria: Invitae Variant Classification Sherloc (09022015). Collection method: clinical testing. Allele origin: germline.
Comment: This sequence change replaces isoleucine, which is neutral and non-polar, with valine, which is neutral and non-polar, at codon 192 of the L2HGDH protein (p.Ile192Val). This variant is present in population databases (rs755942764, gnomAD 0.006%). This variant has not been reported in the literature in individuals affected with L2HGDH-related conditions. ClinVar contains an entry for this variant (Variation ID: 966753). Invitae Evidence Modeling of protein sequence and biophysical properties (such as structural, functional, and spatial information, amino acid conservation, physicochemical variation, residue mobility, and thermodynamic stability) has been performed for this missense variant. However, the output from this modeling did not meet the statistical confidence thresholds required to predict the impact of this variant on L2HGDH protein function. In summary, the available evidence is currently insufficient to determine the role of this variant in disease. Therefore, it has been classified as a Variant of Uncertain Significance.

NM_024884.3(L2HGDH):c.574A>G (p.Ile192Val)

Gene: L2HGDH (L-2-hydroxyglutarate dehydrogenase; minus strand). Cytogenetic location: 14q21.3.
Variant type: single nucleotide variant.
Coding change: c.574A>G on transcript NM_024884.3 (MANE Select); coding-DNA position 574, A replaced by G.
Protein change: p.Ile192Val; replaces isoleucine 192 with valine.
Molecular consequence: missense variant.
Genome position (GRCh38, 1-based): chr14:50,284,000, T>C on the plus strand (A>G on the coding strand, the complement: L2HGDH is on the minus strand). VCF-style: chr14-50284000-T-C. GRCh37 (hg19) VCF-style: chr14-50750718-T-C.
Other names: short protein forms I192V.
Identifiers: ClinVar variation 966753 (VCV000966753.9), dbSNP rs755942764, ClinGen allele CA7177970.